The following is an entry in ClinVar:

NM_001876.4(CPT1A):c.556-12del

Gene: CPT1A (carnitine palmitoyltransferase 1A; minus strand). Cytogenetic location: 11q13.3.
Variant type: Deletion.
Coding change: c.556-12del on transcript NM_001876.4 (MANE Select); 12 bases into the intron before coding-DNA position 556, one base deleted (C; older notation c.556-12delC).
Molecular consequence: intron variant.
Genome position (GRCh38, 1-based): chr11:68,799,367, G deleted on the plus strand (C on the coding strand, the reverse complement: CPT1A is on the minus strand); the first of 5 consecutive G bases (chr11:68,799,367-68,799,371); deleting any one gives the same sequence. VCF-style (leftmost placement, unchanged base first): chr11-68799366-TG-T. GRCh37 (hg19) VCF-style: chr11-68566834-TG-T.
Other names: c.556-12delC (NM_001876.3); c.556-12del (NM_001031847.3).
Identifiers: ClinVar variation 93974 (VCV000093974.19), dbSNP rs113037606, ClinGen allele CA285500.

ClinVar aggregate classification (germline): Benign. Review status: criteria provided, multiple submitters, no conflicts (2 of 4 stars). 4 submissions from 4 submitters: Benign (4). Last evaluated 2026-02-02.

Conditions:
Carnitine palmitoyl transferase 1A deficiency. Also called: Carnitine palmitoyltransferase type I deficiency; CPT I DEFICIENCY; CPT DEFICIENCY, HEPATIC, TYPE I; Carnitine palmitoyltransferase 1A deficiency; CPT deficiency, hepatic, type IA. Identifiers: Orphanet 156, MedGen C1829703, MONDO:0009705, OMIM 255120.

Submissions (4):

Labcorp Genetics (formerly Invitae), Labcorp
Classification: Benign for Carnitine palmitoyl transferase 1A deficiency. Last evaluated: 2026-02-02. Review status: criteria provided, single submitter. Criteria: Invitae Variant Classification Sherloc (09022015). Collection method: clinical testing. Allele origin: germline.

ARUP Laboratories, Molecular Genetics and Genomics, ARUP Laboratories
Classification: Benign for Carnitine palmitoyl transferase 1A deficiency. Last evaluated: 2023-10-03. Review status: criteria provided, single submitter. Criteria: ARUP Molecular Germline Variant Investigation Process 2024. Collection method: clinical testing. Allele origin: germline.

Eurofins Ntd Llc (ga)
Classification: Benign. Last evaluated: 2016-03-16. Review status: criteria provided, single submitter. Criteria: EGL Classification Definitions 2015. Collection method: clinical testing. Allele origin: germline. Observed: 6 variant alleles, 6 homozygotes.

GeneDx
Classification: Benign. Last evaluated: 2014-06-16. Review status: criteria provided, single submitter. Criteria: GeneDx Variant Classification (06012015). Collection method: clinical testing. Allele origin: germline. Affected: yes.
Comment: The variant is found in CPT1A panel(s).